The following is an entry in ClinVar:

NM_183065.4(TMEM107):c.*610T>C

Gene: TMEM107 (transmembrane protein 107; minus strand). Cytogenetic location: 17p13.1.
Variant type: single nucleotide variant.
Coding change: c.*610T>C on transcript NM_183065.4 (MANE Select); 610 bases downstream of the stop codon, T replaced by C.
Molecular consequence: 3 prime UTR variant. On other transcripts: non-coding transcript variant (1).
Genome position (GRCh38, 1-based): chr17:8,173,593, A>G on the plus strand (T>C on the coding strand, the complement: TMEM107 is on the minus strand). VCF-style: chr17-8173593-A-G. GRCh37 (hg19) VCF-style: chr17-8076911-A-G.
Other names: c.*610T>C (NM_001351278.2, NM_001351279.2, NM_001351280.2 and 2 more transcripts).
Identifiers: ClinVar variation 1268304 (VCV001268304.5), dbSNP rs11655582, ClinGen allele CA8370863.

ClinVar aggregate classification (germline): Benign/Likely benign. Review status: criteria provided, multiple submitters, no conflicts (2 of 4 stars). 4 submissions from 4 submitters: Benign (2); Likely benign (1). 1 of the submissions does not count toward it. Last evaluated 2024-11-28.

Conditions:
TMEM107-related disorder. Also called: TMEM107-related condition.

Allele frequency attached by ClinVar (database versions not stated): 1000 Genomes Project 0.66853; 1000 Genomes Project 30x 0.66911; TOPMed 0.74223.
gnomAD v4.1: 626,192 of 761,960 alleles (82%); highest among the groups gnomAD compares: Non-Finnish European, 89%; 263,205 homozygotes.

Submissions (4):

Blueprint Genetics
Classification: Likely benign. Last evaluated: 2024-11-28. Review status: criteria provided, single submitter. Criteria: ACMG Guidelines, 2015. Collection method: clinical testing. Allele origin: germline.

GeneDx
Classification: Benign. Last evaluated: 2020-08-19. Review status: criteria provided, single submitter. Criteria: GeneDx Variant Classification Process June 2021. Collection method: clinical testing. Allele origin: germline. Affected: yes.

Breakthrough Genomics
Classification: Benign. Review status: criteria provided, single submitter. Criteria: ACMG Guidelines, 2015. Collection method: not provided. Allele origin: germline. Inheritance: Autosomal recessive inheritance. Affected: yes.

PreventionGenetics, part of Exact Sciences
Classification: Benign for TMEM107-related condition. Last evaluated: 2024-04-22. Review status: no assertion criteria provided. Collection method: clinical testing. Allele origin: germline. Not counted in ClinVar's aggregate classification.
Comment: This variant is classified as benign based on ACMG/AMP sequence variant interpretation guidelines (Richards et al. 2015 PMID: 25741868, with internal and published modifications).